The following is an entry in ClinVar:

NM_000257.4(MYH7):c.5292G>A (p.Met1764Ile)

Genes: MYH7 (myosin heavy chain 7; minus strand), LOC126861897 (BRD4-independent group 4 enhancer GRCh37_chr14:23884455-23885654; plus strand). Cytogenetic location: 14q11.2.
Variant type: single nucleotide variant.
Coding change: c.5292G>A on transcript NM_000257.4 (MANE Select); coding-DNA position 5292, G replaced by A.
Protein change: p.Met1764Ile; replaces methionine 1764 with isoleucine.
Molecular consequence: missense variant.
Genome position (GRCh38, 1-based): chr14:23,415,262, C>T on the plus strand (G>A on the coding strand, the complement: MYH7 is on the minus strand). VCF-style: chr14-23415262-C-T. GRCh37 (hg19) VCF-style: chr14-23884471-C-T.
Other names: c.5292G>A, p.Met1764Ile (NM_001407004.1); short protein forms M1764I.
Identifiers: ClinVar variation 2766678 (VCV002766678.3), dbSNP rs2502239927, ClinGen allele CA389035948.
Genomic context (GRCh38, chr14:23,415,262, plus strand): 5'-CTTCTTCATGCGCTCCAGGTGGGCGCTGGTGTCCTGCTCCTTCTTCAGCTCCTCTGCCAT[C>T]ATGGCGGCCTGTGTGCAGGAGAGAGGTGGCACATGGTCTGGTCAAGTCCTCACACACTTG-3'
Protein context (NP_000248.2, residues 1754-1774): KAKKAITDAA[Met1764Ile]MAEELKKEQD

ClinVar aggregate classification (germline): Uncertain significance (1 of 4 stars; one submission).

Conditions:
Hypertrophic cardiomyopathy. Also called: HYPERTROPHIC MYOCARDIOPATHY. Identifiers: Orphanet 217569, MedGen C0007194, MeSH D002312, MONDO:0005045, HP:0001639.

Submission:

Labcorp Genetics (formerly Invitae), Labcorp
Classification: Uncertain significance for Hypertrophic cardiomyopathy. Last evaluated: 2023-10-07. Review status: criteria provided, single submitter. Criteria: Invitae Variant Classification Sherloc (09022015). Collection method: clinical testing. Allele origin: germline.
Comment: This sequence change replaces methionine, which is neutral and non-polar, with isoleucine, which is neutral and non-polar, at codon 1764 of the MYH7 protein (p.Met1764Ile). This variant is not present in population databases (gnomAD no frequency). This variant has not been reported in the literature in individuals affected with MYH7-related conditions. Advanced modeling of protein sequence and biophysical properties (such as structural, functional, and spatial information, amino acid conservation, physicochemical variation, residue mobility, and thermodynamic stability) has been performed at Invitae for this missense variant, however the output from this modeling did not meet the statistical confidence thresholds required to predict the impact of this variant on MYH7 protein function. In summary, the available evidence is currently insufficient to determine the role of this variant in disease. Therefore, it has been classified as a Variant of Uncertain Significance.